The following is an entry in ClinVar:

NM_001134363.3(RBM20):c.2272G>A (p.Gly758Ser)

Gene: RBM20 (RNA binding motif protein 20; plus strand). Cytogenetic location: 10q25.2.
Variant type: single nucleotide variant.
Coding change: c.2272G>A on transcript NM_001134363.3 (MANE Select); coding-DNA position 2272, G replaced by A.
Protein change: p.Gly758Ser; replaces glycine 758 with serine.
Molecular consequence: missense variant.
Genome position (GRCh38, 1-based): chr10:110,812,669, G>A. VCF-style: chr10-110812669-G-A. GRCh37 (hg19) VCF-style: chr10-112572427-G-A.
Other names: c.2272G>A (NM_001134363.1); short protein forms G758S.
Identifiers: ClinVar variation 1037530 (VCV001037530.14), dbSNP rs1371567866, ClinGen allele CA378373148.
Genomic context (GRCh38, chr10:110,812,669, plus strand): 5'-CCGAGATCTGGGTCTCCCAACCTGCCCCACTCTGTGTCCAGCTACAAAAGCCGTGAAGAC[G>A]GCTACTACCGGAAAGAGCCCAAAGCCAAGTCGGACAAGTATCTGAAGCAGCAGCAGGATG-3'
Protein context (NP_001127835.2, residues 748-768): SVSSYKSRED[Gly758Ser]YYRKEPKAKS

ClinVar aggregate classification (germline): Conflicting classifications of pathogenicity. Review status: criteria provided, conflicting classifications (1 of 4 stars). 5 submissions from 5 submitters: Uncertain significance (2); Likely benign (1). 2 of the submissions do not count toward it. Last evaluated 2025-01-23.

Conditions:
Cardiovascular phenotype. Identifiers: MedGen CN230736.
Dilated cardiomyopathy 1DD (CMD1DD). Identifiers: Orphanet 154, MedGen C2750995, MONDO:0013168, OMIM 613172.

Allele frequency attached by ClinVar (database versions not stated): gnomAD 0.00001; gnomAD exomes 0.00002; TOPMed 0.00002.
gnomAD v4.1: 6 of 1,551,576 alleles (0.00039%); highest among the groups gnomAD compares: South Asian, 0.0036%; no homozygotes.

Submissions (5):

GeneDx
Classification: Uncertain significance. Last evaluated: 2025-01-23. Review status: criteria provided, single submitter. Criteria: GeneDx Variant Classification Process June 2021. Collection method: clinical testing. Allele origin: germline. Affected: yes.
Comment: In silico analysis indicates that this missense variant does not alter protein structure/function; Has not been previously published as pathogenic or benign to our knowledge

Ambry Genetics
Classification: Uncertain significance for Cardiovascular phenotype. Last evaluated: 2024-12-11. Review status: criteria provided, single submitter. Criteria: Ambry Variant Classification Scheme 2023. Collection method: clinical testing. Allele origin: germline.

Labcorp Genetics (formerly Invitae), Labcorp
Classification: Likely benign for Dilated cardiomyopathy 1DD. Last evaluated: 2024-04-03. Review status: criteria provided, single submitter. Criteria: Invitae Variant Classification Sherloc (09022015). Collection method: clinical testing. Allele origin: germline.

Genome Diagnostics Laboratory, University Medical Center Utrecht
Classification: Likely benign. Review status: no assertion criteria provided. Collection method: clinical testing. Allele origin: germline. Affected: yes. Study: VKGL Data-share Consensus. Not counted in ClinVar's aggregate classification.

Joint Genome Diagnostic Labs from Nijmegen and Maastricht, Radboudumc and MUMC+
Classification: Likely benign. Review status: no assertion criteria provided. Collection method: clinical testing. Allele origin: germline. Affected: yes. Study: VKGL Data-share Consensus. Not counted in ClinVar's aggregate classification.